The following is an entry in ClinVar:

ClinVar aggregate classification (germline): Uncertain significance (1 of 4 stars; one submission).

Conditions:
Autosomal recessive cerebellar ataxia-saccadic intrusion syndrome. Also called: SPINOCEREBELLAR ATAXIA 24; VPS13D Movement Disorder. Identifiers: Orphanet 95434, MedGen C1846492, MONDO:0011811, OMIM 607317.

Allele frequency attached by ClinVar (database versions not stated): ExAC 0.00001; gnomAD 0.00001 and 0.00003; TOPMed 0.00002; 1000 Genomes Project 30x 0.00016; 1000 Genomes Project 0.00020.
gnomAD v4.1: 12 of 1,613,878 alleles (0.00074%); highest among the groups gnomAD compares: East Asian, 0.0045%; no homozygotes.

Submission:

3billion
Classification: Uncertain significance for Autosomal recessive cerebellar ataxia-saccadic intrusion syndrome. Last evaluated: 2022-05-22. Review status: criteria provided, single submitter. Criteria: ACMG Guidelines, 2015. Collection method: clinical testing. Allele origin: germline. Affected: yes. Observed: 1 heterozygote.
Comment: The variant is observed at an extremely low frequency in the gnomAD v2.1.1 dataset (total allele frequency: 0.002%). In silico tool predictions suggest no damaging effect of the variant on gene or gene product (REVEL: 0.33; 3Cnet: 0.06). Therefore, this variant is classified as uncertain significanceaccording to the recommendation of ACMG/AMP guideline.

NM_015378.4(VPS13D):c.5897G>A (p.Arg1966His)

Gene: VPS13D (vacuolar protein sorting 13 homolog D; plus strand). Cytogenetic location: 1p36.22.
Variant type: single nucleotide variant.
Coding change: c.5897G>A on transcript NM_015378.4 (MANE Select); coding-DNA position 5897, G replaced by A.
Protein change: p.Arg1966His; replaces arginine 1966 with histidine.
Molecular consequence: missense variant.
Genome position (GRCh38, 1-based): chr1:12,293,568, G>A. VCF-style: chr1-12293568-G-A. GRCh37 (hg19) VCF-style: chr1-12353625-G-A.
Other names: c.5897G>A, p.Arg1966His (NM_018156.4); short protein forms R1966H.
Identifiers: ClinVar variation 1687430 (VCV001687430.1), dbSNP rs180883554, ClinGen allele CA602462.